The following is an entry in ClinVar:

NM_000501.4(ELN):c.1150G>A (p.Gly384Arg)

Gene: ELN (elastin; plus strand). Cytogenetic location: 7q11.23.
Variant type: single nucleotide variant.
Coding change: c.1150G>A on transcript NM_000501.4 (MANE Select); coding-DNA position 1150, G replaced by A.
Protein change: p.Gly384Arg; replaces glycine 384 with arginine.
Molecular consequence: missense variant.
Genome position (GRCh38, 1-based): chr7:74,054,769, G>A. VCF-style: chr7-74054769-G-A. GRCh37 (hg19) VCF-style: chr7-73469099-G-A.
Other names: c.1120G>A, p.Gly374Arg (NM_001081752.3, NM_001278917.2); c.1165G>A, p.Gly389Arg (NM_001081753.3, NM_001081754.3); c.1150G>A, p.Gly384Arg (NM_001081755.3, NM_001278912.2, NM_001278915.2 and 1 more transcripts); c.1042G>A, p.Gly348Arg (NM_001278913.2); c.1135G>A, p.Gly379Arg (NM_001278914.2); c.1108G>A, p.Gly370Arg (NM_001278916.2); c.1018G>A, p.Gly340Arg (NM_001278918.2); c.1150G>A (NM_000501.2); short protein forms G340R, G348R, G370R, G374R, G384R, G379R, G389R.
Identifiers: ClinVar variation 1437068 (VCV001437068.13), dbSNP rs782359367, ClinGen allele CA4292860.

ClinVar aggregate classification (germline): Uncertain significance. Review status: criteria provided, multiple submitters, no conflicts (2 of 4 stars). 3 submissions from 3 submitters: Uncertain significance (3). Last evaluated 2024-08-06.

Conditions:
Supravalvar aortic stenosis (SVAS). Also called: Supravalvar aortic stenosis, Eisenberg type. Identifiers: Orphanet 3193, MedGen C0003499, MONDO:0008504, OMIM 185500, HP:0004381.
Cutis laxa, autosomal dominant 1 (ADCL1). Also called: ELN-Related Cutis Laxa. Identifiers: Orphanet 90348, MedGen C3276539, MONDO:0007411, OMIM 123700. Disease mechanism: Dominant Negative.
Williams syndrome (WBS). Also called: WILLIAMS-BEUREN SYNDROME; CHROMOSOME 7q11.23 DELETION SYNDROME, 1.5- TO 1.8-MB. Identifiers: Orphanet 904, MedGen C0175702, MONDO:0008678, OMIM 194050. Disease mechanism: loss of function.

Allele frequency attached by ClinVar (database versions not stated): ExAC 0.00003; gnomAD exomes 0.00003 and 0.00002; gnomAD 0.00001; TOPMed 0.00003.
gnomAD v4.1: 50 of 1,613,960 alleles (0.0031%); highest among the groups gnomAD compares: Middle Eastern, 0.017%; no homozygotes.

Submissions (4):

GeneDx
Classification: Uncertain significance. Last evaluated: 2024-08-06. Review status: criteria provided, single submitter. Criteria: GeneDx Variant Classification Process June 2021. Collection method: clinical testing. Allele origin: germline.
Comment: Has been reported as a variant of uncertain significance in an individual with aortic aneurysm, pectus excavatum, malar hypoplasia, and retrognathia; of note the patient's father and brother also had an aortic aneurysm, but molecular confirmation was not performed on these individuals (PMID: 29907982); In silico analysis supports that this missense variant has a deleterious effect on protein structure/function; Not observed at significant frequency in large population cohorts (gnomAD); This variant is associated with the following publications: (PMID: 29907982)

Labcorp Genetics (formerly Invitae), Labcorp
Classification: Uncertain significance for Supravalvar aortic stenosis. Last evaluated: 2022-04-13. Review status: criteria provided, single submitter. Criteria: Invitae Variant Classification Sherloc (09022015). Collection method: clinical testing. Allele origin: germline.
Comment: This sequence change replaces glycine, which is neutral and non-polar, with arginine, which is basic and polar, at codon 384 of the ELN protein (p.Gly384Arg). This variant also falls at the last nucleotide of exon 19, which is part of the consensus splice site for this exon. This variant is present in population databases (rs782359367, gnomAD 0.004%). This missense change has been observed in individual(s) with clinical features of a heritable thoracic aortic disorder (PMID: 29907982). Algorithms developed to predict the effect of missense changes on protein structure and function are either unavailable or do not agree on the potential impact of this missense change (SIFT: "Deleterious"; PolyPhen-2: "Not Available"; Align-GVGD: "Class C15"). Variants that disrupt the consensus splice site are a relatively common cause of aberrant splicing (PMID: 17576681, 9536098). Algorithms developed to predict the effect of sequence changes on RNA splicing suggest that this variant may disrupt the consensus splice site. In summary, the available evidence is currently insufficient to determine the role of this variant in disease. Therefore, it has been classified as a Variant of Uncertain Significance.

Fulgent Genetics
Classification: Uncertain significance for Cutis laxa, autosomal dominant 1; Supravalvar aortic stenosis; Williams syndrome. Last evaluated: 2021-07-19. Review status: criteria provided, single submitter. Criteria: ACMG Guidelines, 2015. Collection method: clinical testing. Allele origin: unknown.

Dr. Peter K. Rogan Lab, Western University
No classification provided (evidence only). Condition: Familial cancer of breast. Review status: no classification provided. Collection method: in vitro. Allele origin: not applicable. Functional consequence: skipped exon. Not counted in ClinVar's aggregate classification.

Literature cited by the submitters: PubMed 29907982 (cited by Labcorp Genetics (formerly Invitae), Labcorp); PubMed 17576681 (cited by Labcorp Genetics (formerly Invitae), Labcorp); PubMed 9536098 (cited by Labcorp Genetics (formerly Invitae), Labcorp).